The following is an entry in ClinVar:

NM_001349338.3(FOXP1):c.1172_1175del (p.Leu391fs)

Gene: FOXP1 (forkhead box P1; minus strand). Cytogenetic location: 3p13.
Variant type: Microsatellite.
Coding change: c.1172_1175del on transcript NM_001349338.3 (MANE Select); coding-DNA positions 1172 to 1175, 4 bases deleted (TCTC; older notation c.1172_1175delTCTC).
Protein change: p.Leu391fs; shifts the reading frame from leucine 391.
Molecular consequence: frameshift variant. On other transcripts: non-coding transcript variant (2).
Genome position (GRCh38, 1-based): chr3:70,978,001-70,978,004, GAGA deleted on the plus strand (TCTC on the coding strand, the reverse complement: FOXP1 is on the minus strand); deleting any 4 consecutive bases within chr3:70,978,001-70,978,007 gives the same sequence; the c. name uses the placement nearest the transcript's 3' end. VCF-style (leftmost placement, unchanged base first): chr3-70978000-GGAGA-G. GRCh37 (hg19) VCF-style: chr3-71027151-GGAGA-G.
Other names: c.1172_1175del, p.Leu391fs (NM_001244808.3, NM_001244810.2, NM_001244814.3 and 3 more transcripts); c.944_947del, p.Leu315fs (NM_001244812.3); c.872_875del, p.Leu291fs (NM_001244813.3, NM_001244815.2, NM_001349342.3 and 1 more transcripts); c.869_872del, p.Leu290fs (NM_001349337.2, NM_001349343.3, NM_001349344.3); c.1169_1172del, p.Leu390fs (NM_001349341.3); c.1172_1175delTCTC (NM_032682.5); short protein forms L315fs, L290fs, L390fs, L291fs, L391fs.
Identifiers: ClinVar variation 944034 (VCV000944034.10), dbSNP rs2037949810, ClinGen allele CA923726116.
Genomic context (GRCh38, chr3:70,978,000, plus strand): 5'-GGCGGTTGGGGTCGTTGGAGTATGAGGTAAGCTCTGTGGAGAAGCCTCCGATGCGGACTT[GGAGA>G]GAGTGACACTTGATACCAGATTCAACTGCAAGGAAAAAAACAACGTCTTAGAAGACCTTC-3'

ClinVar aggregate classification (germline): Pathogenic. Review status: criteria provided, multiple submitters, no conflicts (2 of 4 stars). 2 submissions from 2 submitters: Pathogenic (2). Last evaluated 2020-05-26.

Conditions:
Intellectual disability-severe speech delay-mild dysmorphism syndrome (IDDLA). Also called: Mental retardation with language impairment and autistic features; Intellectual developmental disorder with language impairment AND with or without autistic features; FOXP1 Syndrome. Identifiers: Orphanet 391372, MedGen C4013764, MONDO:0013352, OMIM 613670.

Submissions (2):

Victorian Clinical Genetics Services, Murdoch Childrens Research Institute
Classification: Pathogenic for Intellectual disability-severe speech delay-mild dysmorphism syndrome. Last evaluated: 2020-05-26. Review status: criteria provided, single submitter. Criteria: ACMG Guidelines, 2015. Collection method: clinical testing. Allele origin: germline. Inheritance: Autosomal dominant inheritance.
Comment: Based on the classification scheme VCGS_Germline_v1.1.1, this variant is classified as pathogenic. Following criteria are met: 0102 - Loss-of-function is a known mechanism of disease for this gene. (N) 0107 - This gene is known to be associated with autosomal dominant disease. (N) 0201 - Variant is predicted to cause nonsense-mediated decay (NMD) and loss of protein (exon 15 of 21). (P) 0251 - Variant is heterozygous. (N) 0301 - Variant is absent from gnomAD. (P) 0701 - Comparable variants also predicted to result in NMD, have very strong previous evidence for pathogenicity (Decipher, PMID: 28735298). (P) 0807 - Variant has not previously been reported in a clinical context. (N) 0905 - No segregation evidence has been identified for this variant. (N) 1007 - No published functional evidence has been identified for this variant. (N) 1208 - Inheritance information for this variant is not currently available. (N) Legend: (P) - Pathogenic, (N) - Neutral, (B) - Benign

Labcorp Genetics (formerly Invitae), Labcorp
Classification: Pathogenic. Last evaluated: 2019-07-04. Review status: criteria provided, single submitter. Criteria: Invitae Variant Classification Sherloc (09022015). Collection method: clinical testing. Allele origin: germline.
Comment: This sequence change creates a premature translational stop signal (p.Leu391Profs*23) in the FOXP1 gene. It is expected to result in an absent or disrupted protein product. This variant is not present in population databases (ExAC no frequency). This variant has not been reported in the literature in individuals with FOXP1-related conditions. Loss-of-function variants in FOXP1 are known to be pathogenic (PMID: 20950788, 26647308). For these reasons, this variant has been classified as Pathogenic.

Literature cited by the submitters: PubMed 28735298 (cited by Victorian Clinical Genetics Services, Murdoch Childrens Research Institute); PubMed 20950788 (cited by Labcorp Genetics (formerly Invitae), Labcorp); PubMed 26647308 (cited by Labcorp Genetics (formerly Invitae), Labcorp).